The following is an entry in ClinVar:

NM_003998.4(NFKB1):c.225T>A (p.Ser75Arg)

Gene: NFKB1 (nuclear factor kappa B subunit 1; plus strand). Cytogenetic location: 4q24.
Variant type: single nucleotide variant.
Coding change: c.225T>A on transcript NM_003998.4 (MANE Select); coding-DNA position 225, T replaced by A.
Protein change: p.Ser75Arg; replaces serine 75 with arginine.
Molecular consequence: missense variant.
Genome position (GRCh38, 1-based): chr4:102,537,923, T>A. VCF-style: chr4-102537923-T-A. GRCh37 (hg19) VCF-style: chr4-103459080-T-A.
Other names: c.222T>A, p.Ser74Arg (NM_001165412.2, NM_001319226.2, NM_001382627.1); c.225T>A, p.Ser75Arg (NM_001382625.1, NM_001382626.1); c.183T>A, p.Ser61Arg (NM_001382628.1); short protein forms S74R, S61R, S75R.
Identifiers: ClinVar variation 2113833 (VCV002113833.4), dbSNP rs2149127949, ClinGen allele CA357957741.
Genomic context (GRCh38, chr4:102,537,923, plus strand): 5'-ATTTCGTTTCCGTTATGTATGTGAAGGCCCATCCCATGGTGGACTACCTGGTGCCTCTAG[T>A]GAAAAGAACAAGAAGTCTTACCCTCAGGTCAAAGTAAGTTTGTGGTAGCTCTCCTTCTAT-3'
Protein context (NP_003989.2, residues 65-85): PSHGGLPGAS[Ser75Arg]EKNKKSYPQV

ClinVar aggregate classification (germline): Uncertain significance (1 of 4 stars; one submission).

Submission:

Labcorp Genetics (formerly Invitae), Labcorp
Classification: Uncertain significance. Last evaluated: 2022-03-18. Review status: criteria provided, single submitter. Criteria: Invitae Variant Classification Sherloc (09022015). Collection method: clinical testing. Allele origin: germline.
Comment: This sequence change replaces serine, which is neutral and polar, with arginine, which is basic and polar, at codon 75 of the NFKB1 protein (p.Ser75Arg). This variant is not present in population databases (gnomAD no frequency). This variant has not been reported in the literature in individuals affected with NFKB1-related conditions. Algorithms developed to predict the effect of missense changes on protein structure and function are either unavailable or do not agree on the potential impact of this missense change (SIFT: "Deleterious"; PolyPhen-2: "Probably Damaging"; Align-GVGD: "Class C15"). In summary, the available evidence is currently insufficient to determine the role of this variant in disease. Therefore, it has been classified as a Variant of Uncertain Significance.